The following is an entry in ClinVar:

NM_001290216.3(RARB):c.130del (p.Leu44fs)

Gene: RARB (retinoic acid receptor beta; plus strand). Cytogenetic location: 3p24.2.
Variant type: Deletion.
Coding change: c.130del on transcript NM_001290216.3; coding-DNA position 130, one base deleted (C; older notation c.130delC).
Protein change: p.Leu44fs; shifts the reading frame from leucine 44.
Molecular consequence: frameshift variant.
Genome position (GRCh38, 1-based): chr3:25,174,527, C deleted; the last of 2 consecutive C bases (chr3:25,174,526-25,174,527); deleting either gives the same sequence. VCF-style (leftmost placement, unchanged base first): chr3-25174525-GC-G. GRCh37 (hg19) VCF-style: chr3-25216016-GC-G.
Other names: short protein forms L44fs.
Identifiers: ClinVar variation 2629886 (VCV002629886.1), dbSNP rs2470500964, ClinGen allele CA2695197769.

ClinVar aggregate classification (germline): Uncertain significance (1 of 4 stars; one submission).

Conditions:
RARB-related disorder. Also called: RARB-related condition.

Submission:

PreventionGenetics, part of Exact Sciences
Classification: Uncertain significance for RARB-related condition. Last evaluated: 2023-01-03. Review status: criteria provided, single submitter. Criteria: ACMG Guidelines, 2015. Collection method: clinical testing. Allele origin: germline.
Comment: The RARB c.130delC variant is predicted to result in a frameshift and premature protein termination (p.Leu44Phefs*77). To our knowledge, this variant has not been reported in the literature or in a large population database, indicating this variant is rare. Of note, using a different transcript (NM_000965) this variant is present in the pre-coding region of the gene (c.-254205delC). At this time, the clinical significance of this variant is uncertain due to the absence of conclusive functional and genetic evidence.